The following is an entry in ClinVar:

NM_001355436.2(SPTB):c.3592_3594delinsAGTGATCCAGGCTCACTGGA (p.Asp1198fs)

Gene: SPTB (spectrin beta, erythrocytic; minus strand). Cytogenetic location: 14q23.3.
Variant type: Indel.
Coding change: c.3592_3594delinsAGTGATCCAGGCTCACTGGA on transcript NM_001355436.2 (MANE Select); coding-DNA positions 3592 to 3594, GAC replaced by AGTGATCCAGGCTCACTGGA.
Protein change: p.Asp1198fs; shifts the reading frame from aspartic acid 1198.
Molecular consequence: frameshift variant.
Genome position (GRCh38, 1-based): chr14:64,785,919-64,785,921, GTC replaced by TCCAGTGAGCCTGGATCACT on the plus strand (GAC replaced by AGTGATCCAGGCTCACTGGA on the coding strand, the reverse complement: SPTB is on the minus strand). VCF-style: chr14-64785919-GTC-TCCAGTGAGCCTGGATCACT. GRCh37 (hg19) VCF-style: chr14-65252637-GTC-TCCAGTGAGCCTGGATCACT.
Other names: c.3592_3594delinsAGTGATCCAGGCTCACTGGA, p.Asp1198fs (NM_001024858.4, NM_001355437.2); short protein forms D1198fs.
Identifiers: ClinVar variation 3766470 (VCV003766470.2).

ClinVar aggregate classification (germline): Pathogenic/Likely pathogenic. Review status: criteria provided, multiple submitters, no conflicts (2 of 4 stars). 2 submissions from 2 submitters: Pathogenic (1); Likely pathogenic (1). Last evaluated 2023-12-07.

Submissions (2):

ARUP Laboratories, Molecular Genetics and Genomics, ARUP Laboratories
Classification: Pathogenic. Last evaluated: 2023-12-07. Review status: criteria provided, single submitter. Criteria: ARUP Molecular Germline Variant Investigation Process 2024. Collection method: clinical testing. Allele origin: germline.
Comment: The SPTB c.3592_3594delinsAGTGATCCAGGCTCACTGGA; p.Asp1198Serfs*34 variant, to our knowledge, is not reported in the medical literature or gene specific databases. This variant is also absent from the Genome Aggregation Database (v2.1.1), indicating it is not a common polymorphism. This variant causes a frameshift by deleting three nucleotides and replacing with an alternative 20 nucleotides (net insertion of 17 nucleotides), so it is predicted to result in a truncated protein or mRNA subject to nonsense-mediated decay. Based on available information, this variant is considered to be pathogenic.

Revvity Omics, Revvity
Classification: Likely pathogenic. Last evaluated: 2023-09-28. Review status: criteria provided, single submitter. Criteria: ACMG Guidelines, 2015. Collection method: clinical testing. Allele origin: germline.